The following is an entry in ClinVar:

ClinVar aggregate classification (germline): Uncertain significance. Review status: criteria provided, multiple submitters, no conflicts (2 of 4 stars). 2 submissions from 2 submitters: Uncertain significance (2). Last evaluated 2025-11-20.

Conditions:
MICAL1-related Lateral temporal epilepsy.

Allele frequency attached by ClinVar (database versions not stated): gnomAD exomes 0.00002; gnomAD 0.00004 and 0.00005; TOPMed 0.00005; ESP Exome Variant Server 0.00008; 1000 Genomes Project 30x 0.00016; 1000 Genomes Project 0.00020.

Submissions (2):

Labcorp Genetics (formerly Invitae), Labcorp
Classification: Uncertain significance. Last evaluated: 2025-11-20. Review status: criteria provided, single submitter. Criteria: Invitae Variant Classification Sherloc (09022015). Collection method: clinical testing. Allele origin: germline.
Comment: This sequence change replaces glycine, which is neutral and non-polar, with arginine, which is basic and polar, at codon 525 of the MICAL1 protein (p.Gly525Arg). This variant also falls at the last nucleotide of exon 11, which is part of the consensus splice site for this exon. This variant is present in population databases (rs373511531, gnomAD 0.004%). This variant has not been reported in the literature in individuals affected with MICAL1-related conditions. ClinVar contains an entry for this variant (Variation ID: 1679590). An algorithm developed to predict the effect of missense changes on protein structure and function outputs the following: PolyPhen-2: "Benign". The arginine amino acid residue is found in multiple mammalian species, which suggests that this missense change does not adversely affect protein function. Variants that disrupt the consensus splice site are a relatively common cause of aberrant splicing (PMID: 17576681, 9536098). Algorithms developed to predict the effect of sequence changes on RNA splicing suggest that this variant may disrupt the consensus splice site. In summary, the available evidence is currently insufficient to determine the role of this variant in disease. Therefore, it has been classified as a Variant of Uncertain Significance.

New York Genome Center
Classification: Uncertain significance for MICAL1-related Lateral temporal epilepsy. Last evaluated: 2021-04-30. Review status: criteria provided, single submitter. Criteria: NYGC Assertion Criteria 2020. Collection method: clinical testing. Allele origin: inherited. Observed: 1 heterozygote. Study: CSER-NYCKidSeq.

Literature cited by the submitters: PubMed 17576681 (cited by Labcorp Genetics (formerly Invitae), Labcorp); PubMed 9536098 (cited by Labcorp Genetics (formerly Invitae), Labcorp).

NM_022765.4(MICAL1):c.1516G>A (p.Gly506Arg)

Gene: MICAL1 (microtubule associated monooxygenase, calponin and LIM domain containing 1; minus strand). Cytogenetic location: 6q21.
Variant type: single nucleotide variant.
Coding change: c.1516G>A on transcript NM_022765.4 (MANE Select); coding-DNA position 1516, G replaced by A.
Protein change: p.Gly506Arg; replaces glycine 506 with arginine.
Molecular consequence: missense variant.
Genome position (GRCh38, 1-based): chr6:109,449,400, C>T on the plus strand (G>A on the coding strand, the complement: MICAL1 is on the minus strand). VCF-style: chr6-109449400-C-T. GRCh37 (hg19) VCF-style: chr6-109770603-C-T.
Other names: c.1258G>A, p.Gly420Arg (NM_001159291.2); c.1573G>A, p.Gly525Arg (NM_001286613.2); short protein forms G420R, G506R, G525R.
Identifiers: ClinVar variation 1679590 (VCV001679590.6), dbSNP rs373511531, ClinGen allele CA145119988.